The following is an entry in ClinVar:

NM_022489.4(INF2):c.279C>T (p.Ser93=)

Gene: INF2 (inverted formin 2; plus strand). Cytogenetic location: 14q32.33.
Variant type: single nucleotide variant.
Coding change: c.279C>T on transcript NM_022489.4 (MANE Select); coding-DNA position 279, C replaced by T.
Protein change: p.Ser93=; no amino-acid change (serine 93 retained).
Molecular consequence: synonymous variant.
Genome position (GRCh38, 1-based): chr14:104,701,644, C>T. VCF-style: chr14-104701644-C-T. GRCh37 (hg19) VCF-style: chr14-105167981-C-T.
Other names: c.279C>T, p.Ser93= (NM_001031714.4, NM_032714.3).
Identifiers: ClinVar variation 1099631 (VCV001099631.26), dbSNP rs199769315, ClinGen allele CA7372258.

ClinVar aggregate classification (germline): Likely benign. Review status: criteria provided, multiple submitters, no conflicts (2 of 4 stars). 3 submissions from 3 submitters: Likely benign (3). Last evaluated 2025-12-02.

Conditions:
Charcot-Marie-Tooth disease dominant intermediate E. Also called: CHARCOT-MARIE-TOOTH NEUROPATHY WITH FOCAL SEGMENTAL GLOMERULONEPHRITIS. Identifiers: Orphanet 93114, MedGen C4302667, MONDO:0013758, OMIM 614455.
Focal segmental glomerulosclerosis 5 (FSGS5). Identifiers: Orphanet 656, MedGen C2750475, MONDO:0013191, OMIM 613237.

Allele frequency attached by ClinVar (database versions not stated): gnomAD exomes 0.00003; ExAC 0.00005; ESP Exome Variant Server 0.00008; 1000 Genomes Project 0.00020; 1000 Genomes Project 30x 0.00031.
gnomAD v4.1: 53 of 1,597,918 alleles (0.0033%); highest among the groups gnomAD compares: Middle Eastern, 0.033%; no homozygotes.

Submissions (3):

Labcorp Genetics (formerly Invitae), Labcorp
Classification: Likely benign for Charcot-Marie-Tooth disease dominant intermediate E; Focal segmental glomerulosclerosis 5. Last evaluated: 2025-12-02. Review status: criteria provided, single submitter. Criteria: Invitae Variant Classification Sherloc (09022015). Collection method: clinical testing. Allele origin: germline.

CeGaT Center for Human Genetics Tuebingen
Classification: Likely benign. Last evaluated: 2024-08-01. Review status: criteria provided, single submitter. Criteria: CeGaT Center For Human Genetics Tuebingen Variant Classification Criteria Version 2. Collection method: clinical testing. Allele origin: germline. Affected: yes. Observed: 1 variant allele.
Comment: INF2: BP4, BP7

Fulgent Genetics
Classification: Likely benign for Focal segmental glomerulosclerosis 5; Charcot-Marie-Tooth disease dominant intermediate E. Last evaluated: 2022-04-08. Review status: criteria provided, single submitter. Criteria: ACMG Guidelines, 2015. Collection method: clinical testing. Allele origin: unknown.